The following is an entry in ClinVar:

NC_000008.10:g.(?_42275320)_(42297172_42302163)del

Gene: SLC20A2 (solute carrier family 20 member 2; minus strand). Cytogenetic location: 8p11.21.
Variant type: Deletion.
Identifiers: ClinVar variation 634890 (VCV000634890.2).

ClinVar aggregate classification (germline): Likely pathogenic (0 of 4 stars; one submission).

Conditions:
Idiopathic basal ganglia calcification 1 (PFBC1A). Also called: PRIMARY FAMILIAL BRAIN CALCIFICATION 1A, AUTOSOMAL DOMINANT; Fahr's syndrome; Familial Idiopathic Basal Ganglia Calcification 3; Primary Familial Brain Calcification; Familial Idiopathic Basal Ganglia Calcification 2; Cerebral calcification nonarteriosclerotic idiopathic adult-onset. Identifiers: Orphanet 1980, MedGen C4551624, MONDO:0024538, OMIM 213600.

Submission:

Laboratory of Medical Genetics, University of Torino
Classification: Likely pathogenic for Idiopathic basal ganglia calcification 1. Last evaluated: 2018-11-30. Review status: no assertion criteria provided. Collection method: clinical testing. Allele origin: germline. Affected: yes. Observed: 2 variant alleles.
Comment: genomic deletion starting in intron 6 and including all coding exons to the end of the gene